The following is an entry in ClinVar:

NM_001267550.2(TTN):c.58676T>A (p.Leu19559Gln)

Genes: TTN (titin; minus strand), TTN-AS1 (TTN antisense RNA 1; plus strand). Cytogenetic location: 2q31.2.
Variant type: single nucleotide variant.
Coding change: c.58676T>A on transcript NM_001267550.2 (MANE Select); coding-DNA position 58676, T replaced by A.
Protein change: p.Leu19559Gln; replaces leucine 19559 with glutamine.
Molecular consequence: missense variant.
Genome position (GRCh38, 1-based): chr2:178,593,624, A>T on the plus strand (T>A on the coding strand, the complement: TTN is on the minus strand). VCF-style: chr2-178593624-A-T. GRCh37 (hg19) VCF-style: chr2-179458351-A-T.
Other names: p.Leu16991Gln; c.53753T>A, p.Leu17918Gln (NM_001256850.1); c.31481T>A, p.Leu10494Gln (NM_003319.4); c.50972T>A, p.Leu16991Gln (NM_133378.4); c.31856T>A, p.Leu10619Gln (NM_133432.3); c.32057T>A, p.Leu10686Gln (NM_133437.4); short protein forms L10494Q, L10686Q, L17918Q, L10619Q, L16991Q, L19559Q.
Identifiers: ClinVar variation 697111 (VCV000697111.17), dbSNP rs76604657, ClinGen allele CA1992811.

ClinVar aggregate classification (germline): Benign/Likely benign. Review status: criteria provided, multiple submitters, no conflicts (2 of 4 stars). 8 submissions from 5 submitters: Benign (5); Likely benign (3). Last evaluated 2026-01-14.

Conditions:
Early-onset myopathy with fatal cardiomyopathy (CMYO5). Also called: CONGENITAL MYOPATHY 5 WITH CARDIOMYOPATHY; Salih Myopathy. Identifiers: Orphanet 289377, MedGen C2673677, MONDO:0012714, OMIM 611705. Disease mechanism: loss of function.
TTN-related disorder. Also called: TTN-related disorders; TTN-related condition; TTN-related disease.
Dilated cardiomyopathy 1G (CMD1G). Identifiers: Orphanet 154, MedGen C1858763, MONDO:0011400, OMIM 604145.
Autosomal recessive limb-girdle muscular dystrophy type 2J (LGMDR10). Also called: MUSCULAR DYSTROPHY, LIMB-GIRDLE, AUTOSOMAL RECESSIVE 10; Limb-girdle muscular dystrophy, type 2J. Identifiers: Orphanet 140922, MedGen C1837342, MONDO:0012127, OMIM 608807.
Myopathy, myofibrillar, 9, with early respiratory failure (MFM9). Also called: Myopathy, distal, with early respiratory failure, autosomal dominant; Hereditary myopathy with early respiratory failure; EDSTROM MYOPATHY; MYOPATHY, PROXIMAL, WITH EARLY RESPIRATORY MUSCLE INVOLVEMENT. Identifiers: Orphanet 178464, Orphanet 34521, MedGen C1863599, MONDO:0011362, OMIM 603689.
Tibial muscular dystrophy (TMD). Also called: Tibial muscular dystrophy, tardive; Udd Distal Myopathy – Tibial Muscular Dystrophy; UDD MYOPATHY. Identifiers: Orphanet 609, MedGen C1838244, MONDO:0010870, OMIM 600334.

Allele frequency attached by ClinVar (database versions not stated): gnomAD 0.00012 and 0.00002; ExAC 0.00016; gnomAD exomes 0.00016 and 0.00019; 1000 Genomes Project 30x 0.00047; 1000 Genomes Project 0.00060; TOPMed 0.00005.
gnomAD v4.1: 284 of 1,613,016 alleles (0.018%); highest among the groups gnomAD compares: East Asian, 0.63%; 1 homozygote.

Submissions (8):

PreventionGenetics, part of Exact Sciences
Classification: Likely benign for TTN-related condition. Last evaluated: 2026-01-14. Review status: criteria provided, single submitter. Criteria: ACMG Guidelines, 2015. Collection method: clinical testing. Allele origin: germline.
Comment: This variant is classified as likely benign based on ACMG/AMP sequence variant interpretation guidelines (Richards et al. 2015 PMID: 25741868, with internal and published modifications).

Labcorp Genetics (formerly Invitae), Labcorp
Classification: Likely benign for Dilated cardiomyopathy 1G; Autosomal recessive limb-girdle muscular dystrophy type 2J. Last evaluated: 2025-12-10. Review status: criteria provided, single submitter. Criteria: Invitae Variant Classification Sherloc (09022015). Collection method: clinical testing. Allele origin: germline.

Mayo Clinic Laboratories, Mayo Clinic
Classification: Likely benign. Last evaluated: 2025-08-11. Review status: criteria provided, single submitter. Criteria: ACMG Guidelines, 2015. Collection method: clinical testing. Allele origin: germline. Observed: 1 variant allele.
Comment: BS1

Athena Diagnostics
Classification: Benign. Last evaluated: 2024-06-25. Review status: criteria provided, single submitter. Criteria: Athena Diagnostics Criteria. Collection method: clinical testing. Allele origin: unknown.

Genome-Nilou Lab
Classification: Benign for Autosomal recessive limb-girdle muscular dystrophy type 2J. Last evaluated: 2021-09-10. Review status: criteria provided, single submitter. Criteria: ACMG Guidelines, 2015. Collection method: clinical testing. Allele origin: germline. Affected: no.

Genome-Nilou Lab
Classification: Benign for Myopathy, myofibrillar, 9, with early respiratory failure. Last evaluated: 2021-09-10. Review status: criteria provided, single submitter. Criteria: ACMG Guidelines, 2015. Collection method: clinical testing. Allele origin: germline. Affected: no.

Genome-Nilou Lab
Classification: Benign for Early-onset myopathy with fatal cardiomyopathy. Last evaluated: 2021-09-10. Review status: criteria provided, single submitter. Criteria: ACMG Guidelines, 2015. Collection method: clinical testing. Allele origin: germline. Affected: no.

Genome-Nilou Lab
Classification: Benign for Tibial muscular dystrophy. Last evaluated: 2021-09-10. Review status: criteria provided, single submitter. Criteria: ACMG Guidelines, 2015. Collection method: clinical testing. Allele origin: germline. Affected: no.